The following is an entry in ClinVar:

ClinVar aggregate classification (germline): Likely benign (1 of 4 stars; one submission).

Submission:

CeGaT Center for Human Genetics Tuebingen
Classification: Likely benign. Last evaluated: 2026-03-01. Review status: criteria provided, single submitter. Criteria: CeGaT Center For Human Genetics Tuebingen Variant Classification Criteria Version 2. Collection method: clinical testing. Allele origin: germline. Affected: yes. Observed: 1 variant allele.
Comment: VLDLR: PM2:Supporting, BP4, BP7

NM_003383.5(VLDLR):c.2031G>A (p.Glu677=)

Gene: VLDLR (very low density lipoprotein receptor; plus strand). Cytogenetic location: 9p24.2.
Variant type: single nucleotide variant.
Coding change: c.2031G>A on transcript NM_003383.5 (MANE Select); coding-DNA position 2031, G replaced by A.
Protein change: p.Glu677=; no amino-acid change (glutamic acid 677 retained).
Molecular consequence: synonymous variant.
Genome position (GRCh38, 1-based): chr9:2,648,737, G>A. VCF-style: chr9-2648737-G-A. GRCh37 (hg19) VCF-style: chr9-2648737-G-A.
Other names: c.2031G>A, p.Glu677= (NM_001018056.3); c.1908G>A, p.Glu636= (NM_001322225.2, NM_001322226.2).
Identifiers: ClinVar variation 4823657 (VCV004823657.4).